The following is an entry in ClinVar:

ClinVar aggregate classification (germline): Uncertain significance (1 of 4 stars; one submission).

Allele frequency attached by ClinVar (database versions not stated): gnomAD exomes 0.00002; TOPMed 0.00002.
gnomAD v4.1: 13 of 1,614,156 alleles (0.00081%); highest among the groups gnomAD compares: South Asian, 0.0033%; no homozygotes.

Submission:

Labcorp Genetics (formerly Invitae), Labcorp
Classification: Uncertain significance. Last evaluated: 2021-09-24. Review status: criteria provided, single submitter. Criteria: Invitae Variant Classification Sherloc (09022015). Collection method: clinical testing. Allele origin: germline.
Comment: This sequence change replaces arginine with histidine at codon 1605 of the CEP152 protein (p.Arg1605His). The arginine residue is weakly conserved and there is a small physicochemical difference between arginine and histidine. This variant is not present in population databases (ExAC no frequency). This variant has not been reported in the literature in individuals with CEP152-related conditions. Algorithms developed to predict the effect of missense changes on protein structure and function output the following: SIFT: "Tolerated"; PolyPhen-2: "Benign"; Align-GVGD: "Class C0". The histidine amino acid residue is found in multiple mammalian species, suggesting that this missense change does not adversely affect protein function. These predictions have not been confirmed by published functional studies and their clinical significance is uncertain. In summary, the available evidence is currently insufficient to determine the role of this variant in disease. Therefore, it has been classified as a Variant of Uncertain Significance.

NM_001194998.2(CEP152):c.4982G>A (p.Arg1661His)

Gene: CEP152 (centrosomal protein 152; minus strand). Cytogenetic location: 15q21.1.
Variant type: single nucleotide variant.
Coding change: c.4982G>A on transcript NM_001194998.2 (MANE Select); coding-DNA position 4982, G replaced by A.
Protein change: p.Arg1661His; replaces arginine 1661 with histidine.
Molecular consequence: missense variant.
Genome position (GRCh38, 1-based): chr15:48,738,400, C>T on the plus strand (G>A on the coding strand, the complement: CEP152 is on the minus strand). VCF-style: chr15-48738400-C-T. GRCh37 (hg19) VCF-style: chr15-49030597-C-T.
Other names: c.4814G>A, p.Arg1605His (NM_014985.4); short protein forms R1605H, R1661H.
Identifiers: ClinVar variation 1525560 (VCV001525560.5), dbSNP rs543854692, ClinGen allele CA269522271.